The following is an entry in ClinVar:

NM_014251.3(SLC25A13):c.916G>A (p.Ala306Thr)

Gene: SLC25A13 (solute carrier family 25 member 13; minus strand). Cytogenetic location: 7q21.3.
Variant type: single nucleotide variant.
Coding change: c.916G>A on transcript NM_014251.3 (MANE Select); coding-DNA position 916, G replaced by A.
Protein change: p.Ala306Thr; replaces alanine 306 with threonine.
Molecular consequence: missense variant. On other transcripts: non-coding transcript variant (1).
Genome position (GRCh38, 1-based): chr7:96,189,311, C>T on the plus strand (G>A on the coding strand, the complement: SLC25A13 is on the minus strand). VCF-style: chr7-96189311-C-T. GRCh37 (hg19) VCF-style: chr7-95818623-C-T.
Other names: c.916G>A (NM_014251.2); c.916G>A, p.Ala306Thr (NM_001160210.2); short protein forms A306T.
Identifiers: ClinVar variation 597299 (VCV000597299.10), dbSNP rs1365501165, ClinGen allele CA368262071.

ClinVar aggregate classification (germline): Uncertain significance. Review status: criteria provided, multiple submitters, no conflicts (2 of 4 stars). 3 submissions from 3 submitters: Uncertain significance (3). Last evaluated 2025-08-26.

Conditions:
Inborn genetic diseases. Identifiers: MedGen C0950123, MeSH D030342.
Citrin deficiency. Identifiers: Orphanet 247582, MedGen C1997910, MONDO:0016602.

Allele frequency attached by ClinVar (database versions not stated): gnomAD 0.00001; gnomAD exomes 0.00001.
gnomAD v4.1: 4 of 1,613,952 alleles (0.00025%); highest among the groups gnomAD compares: Admixed American, 0.005%; no homozygotes.

Submissions (3):

Ambry Genetics
Classification: Uncertain significance for Inborn genetic diseases. Last evaluated: 2025-08-26. Review status: criteria provided, single submitter. Criteria: Ambry Variant Classification Scheme 2023. Collection method: clinical testing. Allele origin: germline.

Labcorp Genetics (formerly Invitae), Labcorp
Classification: Uncertain significance for Citrin deficiency. Last evaluated: 2022-07-12. Review status: criteria provided, single submitter. Criteria: Invitae Variant Classification Sherloc (09022015). Collection method: clinical testing. Allele origin: germline.
Comment: This sequence change replaces alanine, which is neutral and non-polar, with threonine, which is neutral and polar, at codon 306 of the SLC25A13 protein (p.Ala306Thr). This variant is present in population databases (no rsID available, gnomAD 0.006%). This variant has not been reported in the literature in individuals affected with SLC25A13-related conditions. ClinVar contains an entry for this variant (Variation ID: 597299). Advanced modeling of protein sequence and biophysical properties (such as structural, functional, and spatial information, amino acid conservation, physicochemical variation, residue mobility, and thermodynamic stability) performed at Invitae indicates that this missense variant is not expected to disrupt SLC25A13 protein function. In summary, the available evidence is currently insufficient to determine the role of this variant in disease. Therefore, it has been classified as a Variant of Uncertain Significance.

Eurofins Ntd Llc (ga)
Classification: Uncertain significance. Last evaluated: 2018-05-24. Review status: criteria provided, single submitter. Criteria: EGL ClinVar v180209 classification definitions. Collection method: clinical testing. Allele origin: germline. Observed: 1 variant allele, 1 heterozygote.